The following is an entry in ClinVar:

ClinVar aggregate classification (germline): Benign/Likely benign. Review status: criteria provided, multiple submitters, no conflicts (2 of 4 stars). 3 submissions from 3 submitters: Benign (1); Likely benign (2). Last evaluated 2025-04-01.

Conditions:
Early-infantile DEE. Also called: Early infantile epileptic encephalopathy with suppression bursts; Early infantile epileptic encephalopathy; Ohtahara syndrome. Identifiers: Orphanet 1934, MedGen C0393706, MONDO:0800491.

Allele frequency attached by ClinVar (database versions not stated): gnomAD 0.00005; TOPMed 0.00006; ExAC 0.00007; gnomAD exomes 0.00007; ESP Exome Variant Server 0.00015.
gnomAD v4.1: 159 of 1,612,566 alleles (0.0099%); highest among the groups gnomAD compares: Non-Finnish European, 0.013%; no homozygotes.

Submissions (3):

Labcorp Genetics (formerly Invitae), Labcorp
Classification: Likely benign for Early-infantile DEE. Last evaluated: 2025-04-01. Review status: criteria provided, single submitter. Criteria: Invitae Variant Classification Sherloc (09022015). Collection method: clinical testing. Allele origin: germline.

Blueprint Genetics
Classification: Likely benign. Last evaluated: 2023-10-16. Review status: criteria provided, single submitter. Criteria: ACMG Guidelines, 2015. Collection method: clinical testing. Allele origin: germline.

GeneDx
Classification: Benign. Last evaluated: 2013-10-10. Review status: criteria provided, single submitter. Criteria: GeneDx Variant Classification (06012015). Collection method: clinical testing. Allele origin: germline. Affected: yes.
Comment: This variant is considered likely benign or benign based on one or more of the following criteria: it is a conservative change, it occurs at a poorly conserved position in the protein, it is predicted to be benign by multiple in silico algorithms, and/or has population frequency not consistent with disease.

NM_001130438.3(SPTAN1):c.3520-19T>G

Gene: SPTAN1 (spectrin alpha, non-erythrocytic 1; plus strand). Cytogenetic location: 9q34.11.
Variant type: single nucleotide variant.
Coding change: c.3520-19T>G on transcript NM_001130438.3 (MANE Select); 19 bases into the intron before coding-DNA position 3520, T replaced by G.
Molecular consequence: intron variant.
Genome position (GRCh38, 1-based): chr9:128,598,944, T>G. VCF-style: chr9-128598944-T-G. GRCh37 (hg19) VCF-style: chr9-131361223-T-G.
Other names: c.3520-19T>G (NM_001363759.2, NM_003127.4); c.3460-19T>G (NM_001363765.2, NM_001195532.2).
Identifiers: ClinVar variation 139284 (VCV000139284.10), dbSNP rs373387372, ClinGen allele CA293726.